The following is an entry in ClinVar:

ClinVar aggregate classification (germline): Benign. Review status: criteria provided, multiple submitters, no conflicts (2 of 4 stars). 2 submissions from 2 submitters: Benign (2). Last evaluated 2018-06-20.

Allele frequency attached by ClinVar (database versions not stated): 1000 Genomes Project 30x 0.44254; 1000 Genomes Project 0.44509; TOPMed 0.46179; gnomAD 0.46261 and 0.46390.
gnomAD v4.1: 531,017 of 1,116,032 alleles (48%); highest among the groups gnomAD compares: East Asian, 54%; 127,117 homozygotes.

Submissions (2):

GeneDx
Classification: Benign. Last evaluated: 2018-06-20. Review status: criteria provided, single submitter. Criteria: GeneDx Variant Classification (06012015). Collection method: clinical testing. Allele origin: germline. Affected: yes.
Comment: This variant is considered likely benign or benign based on one or more of the following criteria: it is a conservative change, it occurs at a poorly conserved position in the protein, it is predicted to be benign by multiple in silico algorithms, and/or has population frequency not consistent with disease.

Breakthrough Genomics
Classification: Benign. Review status: criteria provided, single submitter. Criteria: ACMG Guidelines, 2015. Collection method: not provided. Allele origin: germline. Inheritance: Unknown mechanism. Affected: yes.

NM_002907.4(RECQL):c.1355+103G>C

Gene: RECQL (RecQ like helicase; minus strand). Cytogenetic location: 12p12.1.
Variant type: single nucleotide variant.
Coding change: c.1355+103G>C on transcript NM_002907.4 (MANE Select); 103 bases into the intron after coding-DNA position 1355, G replaced by C.
Molecular consequence: intron variant.
Genome position (GRCh38, 1-based): chr12:21,474,738, C>G on the plus strand (G>C on the coding strand, the complement: RECQL is on the minus strand). VCF-style: chr12-21474738-C-G. GRCh37 (hg19) VCF-style: chr12-21627672-C-G.
Other names: c.1355+103G>C (NM_032941.3).
Identifiers: ClinVar variation 679690 (VCV000679690.2), dbSNP rs35159698, ClinGen allele CA13663872.